The following is an entry in ClinVar:

NM_003640.5(ELP1):c.593T>C (p.Val198Ala)

Gene: ELP1 (elongator acetyltransferase complex subunit 1; minus strand). Cytogenetic location: 9q31.3.
Variant type: single nucleotide variant.
Coding change: c.593T>C on transcript NM_003640.5 (MANE Select); coding-DNA position 593, T replaced by C.
Protein change: p.Val198Ala; replaces valine 198 with alanine.
Molecular consequence: missense variant. On other transcripts: intron variant (1).
Genome position (GRCh38, 1-based): chr9:108,919,309, A>G on the plus strand (T>C on the coding strand, the complement: ELP1 is on the minus strand). VCF-style: chr9-108919309-A-G. GRCh37 (hg19) VCF-style: chr9-111681589-A-G.
Other names: c.251T>C, p.Val84Ala (NM_001318360.2); c.-307-1639T>C (NM_001330749.2); short protein forms V198A, V84A.
Identifiers: ClinVar variation 847738 (VCV000847738.8), dbSNP rs948923581, ClinGen allele CA197523253.

ClinVar aggregate classification (germline): Uncertain significance. Review status: criteria provided, multiple submitters, no conflicts (2 of 4 stars). 3 submissions from 3 submitters: Uncertain significance (2). 1 of the submissions does not count toward it. Last evaluated 2024-03-11.

Conditions:
Familial dysautonomia. Also called: HSAN III; FD. Identifiers: Orphanet 1764, MedGen C0013364, MONDO:0009131, OMIM 223900. Disease mechanism: loss of function.

Allele frequency attached by ClinVar (database versions not stated): gnomAD 0.00001; gnomAD exomes 0.00001; TOPMed 0.00006.
gnomAD v4.1: 13 of 1,613,864 alleles (0.00081%); highest among the groups gnomAD compares: African/African-American, 0.015%; no homozygotes.

Submissions (3):

Ambry Genetics
Classification: Uncertain significance. Last evaluated: 2024-03-11. Review status: criteria provided, single submitter. Criteria: Ambry Variant Classification Scheme 2023. Collection method: clinical testing. Allele origin: germline.
Comment: The p.V198A variant (also known as c.593T>C), located in coding exon 6 of the IKBKAP gene, results from a T to C substitution at nucleotide position 593. The valine at codon 198 is replaced by alanine, an amino acid with similar properties. This amino acid position is conserved. In addition, the in silico prediction for this alteration is inconclusive. Based on the available evidence, the clinical significance of this alteration remains unclear.

Labcorp Genetics (formerly Invitae), Labcorp
Classification: Uncertain significance. Last evaluated: 2022-07-06. Review status: criteria provided, single submitter. Criteria: Invitae Variant Classification Sherloc (09022015). Collection method: clinical testing. Allele origin: germline.
Comment: This sequence change replaces valine, which is neutral and non-polar, with alanine, which is neutral and non-polar, at codon 198 of the ELP1 protein (p.Val198Ala). This variant is not present in population databases (gnomAD no frequency). This variant has not been reported in the literature in individuals affected with ELP1-related conditions. ClinVar contains an entry for this variant (Variation ID: 847738). Algorithms developed to predict the effect of missense changes on protein structure and function are either unavailable or do not agree on the potential impact of this missense change (SIFT: "Deleterious"; PolyPhen-2: "Possibly Damaging"; Align-GVGD: "Class C0"). In summary, the available evidence is currently insufficient to determine the role of this variant in disease. Therefore, it has been classified as a Variant of Uncertain Significance.

Natera, Inc.
Classification: Uncertain significance for Familial dysautonomia. Last evaluated: 2020-09-16. Review status: no assertion criteria provided. Collection method: clinical testing. Allele origin: germline. Not counted in ClinVar's aggregate classification.